The following is an entry in ClinVar:

NM_000268.4(NF2):c.1423A>G (p.Ile475Val)

Gene: NF2 (NF2, moesin-ezrin-radixin like (MERLIN) tumor suppressor; plus strand). Cytogenetic location: 22q12.2.
Variant type: single nucleotide variant.
Coding change: c.1423A>G on transcript NM_000268.4 (MANE Select); coding-DNA position 1423, A replaced by G.
Protein change: p.Ile475Val; replaces isoleucine 475 with valine.
Molecular consequence: missense variant. On other transcripts: non-coding transcript variant (1), intron variant (1).
Genome position (GRCh38, 1-based): chr22:29,674,918, A>G. VCF-style: chr22-29674918-A-G. GRCh37 (hg19) VCF-style: chr22-30070907-A-G.
Other names: c.1309A>G, p.Ile437Val (NM_001407053.1, NM_001407056.1); c.1300A>G, p.Ile434Val (NM_001407054.1, NM_001407058.1, NM_181829.3); c.1297A>G, p.Ile433Val (NM_001407055.1, NM_181828.3); c.1288A>G, p.Ile430Val (NM_001407057.1, NM_001407059.1); c.1423A>G, p.Ile475Val (NM_001407060.1, NM_001407066.1, NM_016418.5 and 2 more transcripts); c.1165A>G, p.Ile389Val (NM_001407062.1); c.1174A>G, p.Ile392Val (NM_001407063.1, NM_001407064.1, NM_181830.3 and 1 more transcripts); c.889A>G, p.Ile297Val (NM_001407065.1); and 2 more; short protein forms I389V, I430V, I433V, I297V, I434V, I398V, I437V, I392V.
Identifiers: ClinVar variation 2302032 (VCV002302032.3), dbSNP rs2147093529, ClinGen allele CA411149156.

ClinVar aggregate classification (germline): Uncertain significance. Review status: criteria provided, multiple submitters, no conflicts (2 of 4 stars). 2 submissions from 2 submitters: Uncertain significance (2). Last evaluated 2025-09-19.

Conditions:
Neurofibromatosis, type 2 (SWNV). Also called: SCHWANNOMATOSIS, VESTIBULAR; BILATERAL ACOUSTIC NEUROFIBROMATOSIS; NF2-Related Schwannomatosis. Identifiers: Orphanet 637, MedGen C0027832, MONDO:0007039, OMIM 101000. Disease mechanism: loss of function.
Hereditary cancer-predisposing syndrome. Also called: Tumor predisposition; Hereditary Cancer Syndrome; Hereditary neoplastic syndrome; Neoplastic Syndromes, Hereditary. Identifiers: Orphanet 140162, MedGen C0027672, MeSH D009386, MONDO:0015356.

Submissions (2):

Labcorp Genetics (formerly Invitae), Labcorp
Classification: Uncertain significance for Neurofibromatosis, type 2. Last evaluated: 2025-09-19. Review status: criteria provided, single submitter. Criteria: Invitae Variant Classification Sherloc (09022015). Collection method: clinical testing. Allele origin: germline.
Comment: This sequence change replaces isoleucine, which is neutral and non-polar, with valine, which is neutral and non-polar, at codon 475 of the NF2 protein (p.Ile475Val). This variant is not present in population databases (gnomAD no frequency). This variant has not been reported in the literature in individuals affected with NF2-related conditions. ClinVar contains an entry for this variant (Variation ID: 2302032). Invitae Evidence Modeling of protein sequence and biophysical properties (such as structural, functional, and spatial information, amino acid conservation, physicochemical variation, residue mobility, and thermodynamic stability) indicates that this missense variant is not expected to disrupt NF2 protein function with a negative predictive value of 80%. In summary, the available evidence is currently insufficient to determine the role of this variant in disease. Therefore, it has been classified as a Variant of Uncertain Significance.

Ambry Genetics
Classification: Uncertain significance for Hereditary cancer-predisposing syndrome. Last evaluated: 2022-07-19. Review status: criteria provided, single submitter. Criteria: Ambry Variant Classification Scheme 2023. Collection method: clinical testing. Allele origin: germline.